The following is an entry in ClinVar:

NM_030662.4(MAP2K2):c.580+15G>A

Gene: MAP2K2 (mitogen-activated protein kinase kinase 2; minus strand). Cytogenetic location: 19p13.3.
Variant type: single nucleotide variant.
Coding change: c.580+15G>A on transcript NM_030662.4 (MANE Select); 15 bases into the intron after coding-DNA position 580, G replaced by A.
Molecular consequence: intron variant.
Genome position (GRCh38, 1-based): chr19:4,101,214, C>T on the plus strand (G>A on the coding strand, the complement: MAP2K2 is on the minus strand). VCF-style: chr19-4101214-C-T. GRCh37 (hg19) VCF-style: chr19-4101212-C-T.
Identifiers: ClinVar variation 379104 (VCV000379104.10), dbSNP rs370921720, ClinGen allele CA9090898.
Genomic context (GRCh38, chr19:4,101,214, plus strand): 5'-CAGGCTGCGGGTGAGGGGCGCCCAACAGTTGCCTGCCGGCCCCCGGGGCTCTGGGGAGGG[C>T]GGGCTGGGCCTTACCTCGGTGCATGATCTGGTGCTTCTCTCGGAGGTACGCCAAGCCCCG-3'

ClinVar aggregate classification (germline): Benign/Likely benign. Review status: criteria provided, multiple submitters, no conflicts (2 of 4 stars). 4 submissions from 4 submitters: Benign (2); Likely benign (2). Last evaluated 2026-01-20.

Conditions:
RASopathy. Also called: rasopathies; Noonan spectrum disorder. Identifiers: Orphanet 536391, MedGen C5555857, MONDO:0021060.

Allele frequency attached by ClinVar (database versions not stated): gnomAD exomes 0.00012 and 0.00026; gnomAD 0.00014 and 0.00017; TOPMed 0.00018; ESP Exome Variant Server 0.00023; ExAC 0.00030; 1000 Genomes Project 0.00040.
gnomAD v4.1: 160 of 662,694 alleles (0.024%); highest among the groups gnomAD compares: East Asian, 0.31%; no homozygotes.

Submissions (4):

Labcorp Genetics (formerly Invitae), Labcorp
Classification: Benign for RASopathy. Last evaluated: 2026-01-20. Review status: criteria provided, single submitter. Criteria: Invitae Variant Classification Sherloc (09022015). Collection method: clinical testing. Allele origin: germline.

Blueprint Genetics
Classification: Likely benign. Last evaluated: 2024-08-27. Review status: criteria provided, single submitter. Criteria: ACMG Guidelines, 2015. Collection method: clinical testing. Allele origin: germline.

Women's Health and Genetics/Laboratory Corporation of America, LabCorp
Classification: Benign. Last evaluated: 2020-07-27. Review status: criteria provided, single submitter. Criteria: LabCorp Variant Classification Summary - May 2015. Collection method: clinical testing. Allele origin: germline.
Comment: Variant summary: MAP2K2 c.580+15G>A alters a non-conserved nucleotide located close to a canonical splice site and therefore could affect mRNA splicing, leading to a significantly altered protein sequence. 4/4 computational tools predict no significant impact on normal splicing. However, these predictions have yet to be confirmed by functional studies. The variant allele was found at a frequency of 0.00012 in 205726 control chromosomes. The observed variant frequency is approximately 162-fold the estimated maximal expected allele frequency for a pathogenic variant in MAP2K2 causing Cardiofaciocutaneous Syndrome phenotype (7.5e-07), strongly suggesting that the variant is benign. To our knowledge, no occurrence of c.580+15G>A in individuals affected with Cardiofaciocutaneous Syndrome and no experimental evidence demonstrating its impact on protein function have been reported. One clinical diagnostic laboratory has submitted clinical-significance assessments for this variant to ClinVar after 2014 without evidence for independent evaluation and cited the variant as likely benign. Based on the evidence outlined above, the variant was classified as benign.

GeneDx
Classification: Likely benign. Last evaluated: 2016-06-21. Review status: criteria provided, single submitter. Criteria: GeneDx Variant Classification (06012015). Collection method: clinical testing. Allele origin: germline. Affected: yes.
Comment: This variant is considered likely benign or benign based on one or more of the following criteria: it is a conservative change, it occurs at a poorly conserved position in the protein, it is predicted to be benign by multiple in silico algorithms, and/or has population frequency not consistent with disease.